The following is an entry in ClinVar:

ClinVar aggregate classification (germline): Benign. Review status: criteria provided, multiple submitters, no conflicts (2 of 4 stars). 2 submissions from 2 submitters: Benign (2). Last evaluated 2018-01-13.

Conditions:
Disorders of Intracellular Cobalamin Metabolism. Identifiers: MedGen CN043592.

Allele frequency attached by ClinVar (database versions not stated): TOPMed 0.17760; 1000 Genomes Project 0.22444; 1000 Genomes Project 30x 0.22751.

Submissions (2):

Illumina Laboratory Services, Illumina
Classification: Benign for Disorders of Intracellular Cobalamin Metabolism. Last evaluated: 2018-01-13. Review status: criteria provided, single submitter. Criteria: ICSL Variant Classification Criteria 13 December 2019. Collection method: clinical testing. Allele origin: germline.
Comment: This variant was observed in the ICSL laboratory as part of a predisposition screen in an ostensibly healthy population. It had not been previously curated by ICSL or reported in the Human Gene Mutation Database (HGMD: prior to June 1st, 2018), and was therefore a candidate for classification through an automated scoring system. Utilizing variant allele frequency, disease prevalence and penetrance estimates, and inheritance mode, an automated score was calculated to assess if this variant is too frequent to cause the disease. Based on the score and internal cut-off values, a variant classified as benign is not then subjected to further curation. The score for this variant resulted in a classification of benign for this disease.

Breakthrough Genomics
Classification: Benign. Review status: criteria provided, single submitter. Criteria: ACMG Guidelines, 2015. Collection method: not provided. Allele origin: germline. Inheritance: Autosomal recessive inheritance. Affected: yes.

NM_000254.3(MTR):c.*5882G>A

Gene: MTR (5-methyltetrahydrofolate-homocysteine methyltransferase; plus strand). Cytogenetic location: 1q43.
Variant type: single nucleotide variant.
Coding change: c.*5882G>A on transcript NM_000254.3 (MANE Select); 5882 bases downstream of the stop codon, G replaced by A.
Molecular consequence: 3 prime UTR variant.
Genome position (GRCh38, 1-based): chr1:236,903,526, G>A. VCF-style: chr1-236903526-G-A. GRCh37 (hg19) VCF-style: chr1-237066826-G-A.
Other names: c.*5882G>A (NM_001291939.1, NM_001291940.2).
Identifiers: ClinVar variation 296692 (VCV000296692.6), dbSNP rs2282368, ClinGen allele CA10610578.
Genomic context (GRCh38, chr1:236,903,526, plus strand): 5'-AAGATGCCTTTTGCCTCATCCCTTGCTTTTAAGTATTATTATAGACTTTTGGAGACTCAC[G>A]AAACAAGCAATCCCTAAATTCTCGCCCAGGAAAGTATCTTGGATTAAATGGTTTTTGAGA-3'